The following is an entry in ClinVar:

ClinVar aggregate classification (germline): Uncertain significance (1 of 4 stars; one submission).

Conditions:
Hereditary cancer-predisposing syndrome. Also called: Neoplastic Syndromes, Hereditary; Tumor predisposition; Hereditary neoplastic syndrome; Hereditary Cancer Syndrome. Identifiers: Orphanet 140162, MedGen C0027672, MeSH D009386, MONDO:0015356.

Submission:

Ambry Genetics
Classification: Uncertain significance for Hereditary cancer-predisposing syndrome. Last evaluated: 2026-08-10. Review status: criteria provided, single submitter. Criteria: Ambry Variant Classification Scheme 2023. Collection method: clinical testing. Allele origin: germline.
Comment: The p.A801G variant (also known as c.2402C>G), located in coding exon 21 of the TSC2 gene, results from a C to G substitution at nucleotide position 2402. The alanine at codon 801 is replaced by glycine, an amino acid with similar properties. This amino acid position is conserved. In addition, the in silico prediction for this alteration is inconclusive. Based on the available evidence, the clinical significance of this variant remains unclear.

NM_000548.5(TSC2):c.2402C>G (p.Ala801Gly)

Gene: TSC2 (TSC complex subunit 2; plus strand). Cytogenetic location: 16p13.3.
Variant type: single nucleotide variant.
Coding change: c.2402C>G on transcript NM_000548.5 (MANE Select); coding-DNA position 2402, C replaced by G.
Protein change: p.Ala801Gly; replaces alanine 801 with glycine.
Molecular consequence: missense variant. On other transcripts: non-coding transcript variant (5).
Genome position (GRCh38, 1-based): chr16:2,074,246, C>G. VCF-style: chr16-2074246-C-G. GRCh37 (hg19) VCF-style: chr16-2124247-C-G.
Other names: c.2390C>G, p.Ala797Gly (NM_001406671.1, NM_001406673.1); c.2255C>G, p.Ala752Gly (NM_001406675.1, NM_001406676.1, NM_001406679.1 and 1 more transcripts); c.2345C>G, p.Ala782Gly (NM_001406677.1); c.2291C>G, p.Ala764Gly (NM_001406678.1, NM_001318827.2, NM_001406670.1); c.1802C>G, p.Ala601Gly (NM_001406680.1, NM_001406682.1, NM_001318831.2 and 6 more transcripts); c.1940C>G, p.Ala647Gly (NM_001406681.1); c.1058C>G, p.Ala353Gly (NM_001406692.1, NM_001406693.1, NM_001406694.1 and 6 more transcripts); c.800C>G, p.Ala267Gly (NM_001406698.1); and 3 more; short protein forms A267G, A353G, A601G, A752G, A797G, A812G, A647G, A782G.
Identifiers: ClinVar variation 5031379 (VCV005031379.1).